The following is an entry in ClinVar:

NM_001127671.2(LIFR):c.503C>G (p.Ser168Ter)

Gene: LIFR (LIF receptor subunit alpha; minus strand). Cytogenetic location: 5p13.1.
Variant type: single nucleotide variant.
Coding change: c.503C>G on transcript NM_001127671.2 (MANE Select); coding-DNA position 503, C replaced by G.
Protein change: p.Ser168Ter; replaces serine 168 with a stop codon.
Molecular consequence: nonsense.
Genome position (GRCh38, 1-based): chr5:38,523,477, G>C on the plus strand (C>G on the coding strand, the complement: LIFR is on the minus strand). VCF-style: chr5-38523477-G-C. GRCh37 (hg19) VCF-style: chr5-38523579-G-C.
Other names: c.503C>G, p.Ser168Ter (NM_001364297.2, NM_001364298.2, NM_002310.6); short protein forms S168*.
Identifiers: ClinVar variation 561052 (VCV000561052.3), dbSNP rs779829941, ClinGen allele CA359615313.

ClinVar aggregate classification (germline): Pathogenic/Likely pathogenic. Review status: criteria provided, multiple submitters, no conflicts (2 of 4 stars). 2 submissions from 2 submitters: Pathogenic (1); Likely pathogenic (1). Last evaluated 2024-04-11.

Conditions:
Stüve-Wiedemann syndrome 1. Also called: STUVE-WIEDEMANN/SCHWARTZ-JAMPEL TYPE 2 SYNDROME. Identifiers: Orphanet 3206, MedGen C5676888, MONDO:0800043, OMIM 601559.
Stuve-Wiedemann syndrome (STWS). Also called: Stüve-Wiedemann syndrome. Identifiers: Orphanet 3206, MedGen C0796176, MONDO:0031280.

gnomAD v4.1: 1 of 1,613,592 alleles (0.000062%); no homozygotes.

Submissions (2):

Fulgent Genetics
Classification: Likely pathogenic for Stüve-Wiedemann syndrome 1. Last evaluated: 2024-04-11. Review status: criteria provided, single submitter. Criteria: ACMG Guidelines, 2015. Collection method: clinical testing. Allele origin: germline.

Baylor Genetics
Classification: Pathogenic for Stüve-Wiedemann syndrome 1. Last evaluated: 2017-09-01. Review status: criteria provided, single submitter. Criteria: ACMG Guidelines, 2015. Collection method: clinical testing. Allele origin: paternal. Inheritance: Autosomal recessive inheritance. Affected: yes.

Literature cited by the submitters: PubMed 25326635 (cited by Baylor Genetics).